The following is an entry in ClinVar:

ClinVar aggregate classification (germline): Likely benign (1 of 4 stars; one submission).

Submission:

Mayo Clinic Laboratories, Mayo Clinic
Classification: Likely benign. Last evaluated: 2024-12-04. Review status: criteria provided, single submitter. Criteria: ACMG Guidelines, 2015. Collection method: clinical testing. Allele origin: germline. Observed: 1 variant allele.
Comment: BP4, BP7

NM_138694.4(PKHD1):c.8798-23dup

Gene: PKHD1 (PKHD1 ciliary IPT domain containing fibrocystin/polyductin; minus strand). Cytogenetic location: 6p12.3.
Variant type: Duplication.
Coding change: c.8798-23dup on transcript NM_138694.4 (MANE Select); 23 bases into the intron before coding-DNA position 8798, one base duplicated (T; older notation c.8798-23dupT).
Molecular consequence: intron variant.
Genome position (GRCh38, 1-based): chr6:51,753,376, A duplicated on the plus strand (T on the coding strand, the reverse complement: PKHD1 is on the minus strand); the first of 9 consecutive A bases (chr6:51,753,376-51,753,384); duplicating any one gives the same sequence. VCF-style (leftmost placement, unchanged base first): chr6-51753375-G-GA. GRCh37 (hg19) VCF-style: chr6-51618173-G-GA.
Other names: p.?; c.8798-23dup (NM_170724.3).
Identifiers: ClinVar variation 4683192 (VCV004683192.1).